The following is an entry in ClinVar:

ClinVar aggregate classification (germline): Likely pathogenic (1 of 4 stars; one submission).

Conditions:
Primary ciliary dyskinesia 32. Also called: CILIARY DYSKINESIA, PRIMARY, 32, WITHOUT SITUS INVERSUS. Identifiers: Orphanet 244, MedGen C4225311, MONDO:0014657, OMIM 616481.

Submission:

Labcorp Genetics (formerly Invitae), Labcorp
Classification: Likely pathogenic for Primary ciliary dyskinesia 32. Last evaluated: 2026-01-12. Review status: criteria provided, single submitter. Criteria: Invitae Variant Classification Sherloc (09022015). Collection method: clinical testing. Allele origin: germline.
Comment: This sequence change affects a splice site in intron 3 of the RSPH3 gene. It is expected to disrupt RNA splicing. Variants that disrupt the donor or acceptor splice site typically lead to a loss of protein function (PMID: 16199547), and loss-of-function variants in RSPH3 are known to be pathogenic (PMID: 26073779). This variant is not present in population databases (gnomAD no frequency). This variant has not been reported in the literature in individuals affected with RSPH3-related conditions. Algorithms developed to predict the effect of sequence changes on RNA splicing suggest that this variant may disrupt the consensus splice site. In summary, the currently available evidence indicates that the variant is pathogenic, but additional data are needed to prove that conclusively. Therefore, this variant has been classified as Likely Pathogenic.

Literature cited by the submitters: PubMed 16199547; PubMed 26073779.

NM_031924.8(RSPH3):c.346+1del

Gene: RSPH3 (radial spoke head 3; minus strand). Cytogenetic location: 6q25.3.
Variant type: Deletion.
Coding change: c.346+1del on transcript NM_031924.8 (MANE Select); the canonical splice donor site of the intron after coding-DNA position 346, one base deleted (G; older notation c.346+1delG).
Molecular consequence: splice donor variant. On other transcripts: intron variant (1).
Genome position (GRCh38, 1-based): chr6:158,986,279, C deleted on the plus strand (G on the coding strand, the reverse complement: RSPH3 is on the minus strand); the first of 2 consecutive C bases (chr6:158,986,279-158,986,280); deleting either gives the same sequence. VCF-style (leftmost placement, unchanged base first): chr6-158986278-AC-A. GRCh37 (hg19) VCF-style: chr6-159407310-AC-A.
Other names: c.631-3591del (NM_001346418.1).
Identifiers: ClinVar variation 4748136 (VCV004748136.1).